The following is an entry in ClinVar:

ClinVar aggregate classification (germline): Uncertain significance (1 of 4 stars; one submission).

Submission:

Labcorp Genetics (formerly Invitae), Labcorp
Classification: Uncertain significance. Last evaluated: 2025-07-22. Review status: criteria provided, single submitter. Criteria: Invitae Variant Classification Sherloc (09022015). Collection method: clinical testing. Allele origin: germline.
Comment: This sequence change replaces proline, which is neutral and non-polar, with leucine, which is neutral and non-polar, at codon 861 of the COL11A1 protein (p.Pro861Leu). This variant is not present in population databases (gnomAD no frequency). This variant has not been reported in the literature in individuals affected with COL11A1-related conditions. Invitae Evidence Modeling of protein sequence and biophysical properties (such as structural, functional, and spatial information, amino acid conservation, physicochemical variation, residue mobility, and thermodynamic stability) indicates that this missense variant is not expected to disrupt COL11A1 protein function with a negative predictive value of 80%. In summary, the available evidence is currently insufficient to determine the role of this variant in disease. Therefore, it has been classified as a Variant of Uncertain Significance.

NM_001854.4(COL11A1):c.2582C>T (p.Pro861Leu)

Gene: COL11A1 (collagen type XI alpha 1 chain; minus strand). Cytogenetic location: 1p21.1.
Variant type: single nucleotide variant.
Coding change: c.2582C>T on transcript NM_001854.4 (MANE Select); coding-DNA position 2582, C replaced by T.
Protein change: p.Pro861Leu; replaces proline 861 with leucine.
Molecular consequence: missense variant. On other transcripts: non-coding transcript variant (1).
Genome position (GRCh38, 1-based): chr1:102,979,410, G>A on the plus strand (C>T on the coding strand, the complement: COL11A1 is on the minus strand). VCF-style: chr1-102979410-G-A. GRCh37 (hg19) VCF-style: chr1-103444966-G-A.
Other names: c.2465C>T, p.Pro822Leu (NM_001190709.2); c.2618C>T, p.Pro873Leu (NM_080629.3); c.2234C>T, p.Pro745Leu (NM_080630.4); short protein forms P822L, P745L, P861L, P873L.
Identifiers: ClinVar variation 4743454 (VCV004743454.1).